The following is an entry in ClinVar:

NM_001012339.3(DNAJC21):c.326C>T (p.Thr109Met)

Gene: DNAJC21 (DnaJ heat shock protein family (Hsp40) member C21; plus strand). Cytogenetic location: 5p13.2.
Variant type: single nucleotide variant.
Coding change: c.326C>T on transcript NM_001012339.3 (MANE Select); coding-DNA position 326, C replaced by T.
Protein change: p.Thr109Met; replaces threonine 109 with methionine.
Molecular consequence: missense variant.
Genome position (GRCh38, 1-based): chr5:34,936,154, C>T. VCF-style: chr5-34936154-C-T. GRCh37 (hg19) VCF-style: chr5-34936259-C-T.
Other names: c.326C>T (NM_194283.3, NM_001012339.2); c.326C>T, p.Thr109Met (NM_001348420.2, NM_194283.4); short protein forms T109M.
Identifiers: ClinVar variation 1448657 (VCV001448657.8), dbSNP rs375475466, ClinGen allele CA3228418.

ClinVar aggregate classification (germline): Uncertain significance. Review status: criteria provided, multiple submitters, no conflicts (2 of 4 stars). 3 submissions from 3 submitters: Uncertain significance (3). Last evaluated 2026-06-26.

Conditions:
Inborn genetic diseases. Identifiers: MedGen C0950123, MeSH D030342.
DNAJC21-related disorder. Also called: DNAJC21-related condition.

Allele frequency attached by ClinVar (database versions not stated): gnomAD 0.00005; TOPMed 0.00007; ESP Exome Variant Server 0.00008.
gnomAD v4.1: 154 of 1,611,660 alleles (0.0096%); highest among the groups gnomAD compares: Middle Eastern, 0.12%; no homozygotes.

Submissions (3):

PreventionGenetics, part of Exact Sciences
Classification: Uncertain significance for DNAJC21-related condition. Last evaluated: 2026-06-26. Review status: criteria provided, single submitter. Criteria: ACMG Guidelines, 2015. Collection method: clinical testing. Allele origin: germline.
Comment: The DNAJC21 c.326C>T variant is predicted to result in the amino acid substitution p.Thr109Met. To our knowledge, this variant has not been reported in the literature. This variant is reported in 0.030% of alleles in individuals of East Asian descent in gnomAD. At this time, the clinical significance of this variant is uncertain due to the absence of conclusive functional and genetic evidence.

Labcorp Genetics (formerly Invitae), Labcorp
Classification: Uncertain significance. Last evaluated: 2026-01-26. Review status: criteria provided, single submitter. Criteria: Invitae Variant Classification Sherloc (09022015). Collection method: clinical testing. Allele origin: germline.
Comment: This sequence change replaces threonine, which is neutral and polar, with methionine, which is neutral and non-polar, at codon 109 of the DNAJC21 protein (p.Thr109Met). This variant is present in population databases (rs375475466, gnomAD 0.03%). This variant has not been reported in the literature in individuals affected with DNAJC21-related conditions. ClinVar contains an entry for this variant (Variation ID: 1448657). An algorithm developed to predict the effect of missense changes on protein structure and function (PolyPhen-2) suggests that this variant is likely to be disruptive. In summary, the available evidence is currently insufficient to determine the role of this variant in disease. Therefore, it has been classified as a Variant of Uncertain Significance.

Ambry Genetics
Classification: Uncertain significance for Inborn genetic diseases. Last evaluated: 2021-07-14. Review status: criteria provided, single submitter. Criteria: Ambry Variant Classification Scheme 2023. Collection method: clinical testing. Allele origin: germline.